The following is an entry in ClinVar:

NM_000293.3(PHKB):c.431G>A (p.Arg144His)

Gene: PHKB (phosphorylase kinase regulatory subunit beta; plus strand). Cytogenetic location: 16q12.1.
Variant type: single nucleotide variant.
Coding change: c.431G>A on transcript NM_000293.3 (MANE Select); coding-DNA position 431, G replaced by A.
Protein change: p.Arg144His; replaces arginine 144 with histidine.
Molecular consequence: missense variant.
Genome position (GRCh38, 1-based): chr16:47,511,690, G>A. VCF-style: chr16-47511690-G-A. GRCh37 (hg19) VCF-style: chr16-47545601-G-A.
Other names: c.410G>A, p.Arg137His (NM_001031835.3); c.431G>A, p.Arg144His (NM_001363837.1); short protein forms R144H, R137H.
Identifiers: ClinVar variation 1353133 (VCV001353133.5), dbSNP rs768399607, ClinGen allele CA8040484.

ClinVar aggregate classification (germline): Uncertain significance (1 of 4 stars; one submission).

Conditions:
Glycogen storage disease IXb (GSD9B). Also called: GLYCOGENOSIS OF LIVER AND MUSCLE, AUTOSOMAL RECESSIVE; GSD IXb; PHOSPHORYLASE KINASE DEFICIENCY OF LIVER AND MUSCLE, AUTOSOMAL RECESSIVE. Identifiers: Orphanet 79240, MedGen C0543514, MONDO:0009868, OMIM 261750.

Allele frequency attached by ClinVar (database versions not stated): gnomAD exomes below 0.00001 and 0.00001; TOPMed below 0.00001; ExAC 0.00001.
gnomAD v4.1: 8 of 1,612,778 alleles (0.0005%); highest among the groups gnomAD compares: South Asian, 0.0022%; no homozygotes.

Submission:

Labcorp Genetics (formerly Invitae), Labcorp
Classification: Uncertain significance for Glycogen storage disease IXb. Last evaluated: 2021-09-02. Review status: criteria provided, single submitter. Criteria: Invitae Variant Classification Sherloc (09022015). Collection method: clinical testing. Allele origin: germline.
Comment: This sequence change replaces arginine with histidine at codon 144 of the PHKB protein (p.Arg144His). The arginine residue is moderately conserved and there is a small physicochemical difference between arginine and histidine. This variant is present in population databases (rs768399607, ExAC 0.006%). This variant has not been reported in the literature in individuals affected with PHKB-related conditions. Algorithms developed to predict the effect of missense changes on protein structure and function (SIFT, PolyPhen-2, Align-GVGD) all suggest that this variant is likely to be tolerated. In summary, the available evidence is currently insufficient to determine the role of this variant in disease. Therefore, it has been classified as a Variant of Uncertain Significance.